The following is an entry in ClinVar:

NM_000038.6(APC):c.2137T>C (p.Ser713Pro)

Gene: APC (APC regulator of Wnt signaling pathway; plus strand). Cytogenetic location: 5q22.2.
Variant type: single nucleotide variant.
Coding change: c.2137T>C on transcript NM_000038.6 (MANE Select); coding-DNA position 2137, T replaced by C.
Protein change: p.Ser713Pro; replaces serine 713 with proline.
Molecular consequence: missense variant. On other transcripts: non-coding transcript variant (2).
Genome position (GRCh38, 1-based): chr5:112,837,731, T>C. VCF-style: chr5-112837731-T-C. GRCh37 (hg19) VCF-style: chr5-112173428-T-C.
Other names: c.2137T>C, p.Ser713Pro (NM_001127510.3, NM_001354895.2, NM_001407450.1); c.2083T>C, p.Ser695Pro (NM_001127511.3); c.2191T>C, p.Ser731Pro (NM_001354896.2, NM_001407447.1, NM_001407448.1 and 1 more transcripts); c.2167T>C, p.Ser723Pro (NM_001354897.2); c.2062T>C, p.Ser688Pro (NM_001354898.2); c.2053T>C, p.Ser685Pro (NM_001354899.2); c.2014T>C, p.Ser672Pro (NM_001354900.2); c.1960T>C, p.Ser654Pro (NM_001354901.2, NM_001407453.1); and 11 more; short protein forms S553P, S584P, S672P, S688P, S703P, S741P, S329P, S430P.
Identifiers: ClinVar variation 2567002 (VCV002567002.2), dbSNP rs2149861491, ClinGen allele CA16026005.

ClinVar aggregate classification (germline): Uncertain significance (1 of 4 stars; one submission).

Conditions:
Hereditary cancer-predisposing syndrome. Also called: Hereditary neoplastic syndrome; Hereditary Cancer Syndrome; Neoplastic Syndromes, Hereditary; Tumor predisposition. Identifiers: Orphanet 140162, MedGen C0027672, MeSH D009386, MONDO:0015356.

Submission:

Ambry Genetics
Classification: Uncertain significance for Hereditary cancer-predisposing syndrome. Last evaluated: 2023-05-04. Review status: criteria provided, single submitter. Criteria: Ambry Variant Classification Scheme 2023. Collection method: clinical testing. Allele origin: germline.
Comment: The p.S713P variant (also known as c.2137T>C), located in coding exon 15 of the APC gene, results from a T to C substitution at nucleotide position 2137. The serine at codon 713 is replaced by proline, an amino acid with similar properties. This amino acid position is conserved. In addition, in silico predictors for this gene do not accurately predict pathogenicity. Since supporting evidence is limited at this time, the clinical significance of this alteration remains unclear.